The following is an entry in ClinVar:

ClinVar aggregate classification (germline): Likely benign. Review status: reviewed by expert panel (3 of 4 stars). 3 submissions from 3 submitters: Likely benign (1). 2 of the submissions do not count toward it. Last evaluated 2017-06-29.

Conditions:
Hereditary breast ovarian cancer syndrome. Also called: Hereditary breast and ovarian cancer syndrome (HBOC); BRCA1- and BRCA2-Associated Hereditary Breast and Ovarian Cancer; Hereditary breast and/or ovarian cancer syndrome; Hereditary breast and ovarian cancer syndrome; Hereditary breast and ovarian cancer; Breast and ovarian cancer. Identifiers: Orphanet 145, MedGen C0677776, MeSH D061325, MONDO:0003582. Disease mechanism: loss of function.
Breast-ovarian cancer, familial, susceptibility to, 1 (BROVCA1). Also called: BRCA1 Hereditary Breast and Ovarian Cancer; OVARIAN CANCER, SUSCEPTIBILITY TO. Identifiers: Orphanet 145, MedGen C2676676, MONDO:0011450, OMIM 604370. Disease mechanism: loss of function.

Submissions (3):

Evidence-based Network for the Interpretation of Germline Mutant Alleles (ENIGMA)
Classification: Likely benign for Breast-ovarian cancer, familial, susceptibility to, 1. Last evaluated: 2017-06-29. Review status: reviewed by expert panel. Criteria: ENIGMA BRCA1/2 Classification Criteria (2017-06-29). Collection method: curation. Allele origin: germline.
Comment: Synonymous substitution variant, with low bioinformatic likelihood to result in a splicing aberration (Splicing prior probability 0.02).

Labcorp Genetics (formerly Invitae), Labcorp
Classification: Likely benign for Hereditary breast ovarian cancer syndrome. Last evaluated: 2023-09-12. Review status: criteria provided, single submitter. Criteria: Invitae Variant Classification Sherloc (09022015). Collection method: clinical testing. Allele origin: germline. Not counted in ClinVar's aggregate classification.

GeneDx
Classification: Likely benign. Last evaluated: 2018-12-21. Review status: criteria provided, single submitter. Criteria: GeneDx Variant Classification Process June 2021. Collection method: clinical testing. Allele origin: germline. Affected: yes. Not counted in ClinVar's aggregate classification.

NM_007294.4(BRCA1):c.2064A>G (p.Thr688=)

Gene: BRCA1 (BRCA1 DNA repair associated; minus strand). Cytogenetic location: 17q21.31.
Variant type: single nucleotide variant.
Coding change: c.2064A>G on transcript NM_007294.4 (MANE Select); coding-DNA position 2064, A replaced by G.
Protein change: p.Thr688=; no amino-acid change (threonine 688 retained).
Molecular consequence: synonymous variant. On other transcripts: intron variant (137).
Genome position (GRCh38, 1-based): chr17:43,093,467, T>C on the plus strand (A>G on the coding strand, the complement: BRCA1 is on the minus strand). VCF-style: chr17-43093467-T-C. GRCh37 (hg19) VCF-style: chr17-41245484-T-C.
Other names: c.646+1277A>G (NM_001408410.1, NM_001408458.1, NM_001408469.1 and 11 more transcripts); c.709+1277A>G (NM_001408415.1, NM_001408412.1, NM_001408409.1 and 2 more transcripts); c.577+1277A>G (NM_001408483.1, NM_001408481.1, NM_001408480.1 and 9 more transcripts); c.664+1277A>G (NM_001408442.1, NM_001408426.1, NM_001408436.1 and 12 more transcripts); c.787+1277A>G (NM_001407982.1, NM_001407970.1, NM_001407980.1 and 19 more transcripts); c.1851A>G, p.Thr617= (NM_001407571.1, NM_001407853.1, NM_001407894.1 and 9 more transcripts); c.2064A>G, p.Thr688= (NM_001407581.1, NM_001407582.1, NM_001407583.1 and 30 more transcripts); c.2061A>G, p.Thr687= (NM_001407587.1, NM_001407590.1, NM_001407591.1 and 22 more transcripts); and 40 more.
Identifiers: ClinVar variation 427263 (VCV000427263.9), dbSNP rs1131692077, ClinGen allele CA500232969.